The following is an entry in ClinVar:

NM_000142.5(FGFR3):c.1500C>A (p.Ala500=)

Gene: FGFR3 (fibroblast growth factor receptor 3; plus strand). Cytogenetic location: 4p16.3.
Variant type: single nucleotide variant.
Coding change: c.1500C>A on transcript NM_000142.5 (MANE Select); coding-DNA position 1500, C replaced by A.
Protein change: p.Ala500=; no amino-acid change (alanine 500 retained).
Molecular consequence: synonymous variant. On other transcripts: non-coding transcript variant (1).
Genome position (GRCh38, 1-based): chr4:1,805,442, C>A. VCF-style: chr4-1805442-C-A. GRCh37 (hg19) VCF-style: chr4-1807169-C-A.
Other names: c.1506C>A, p.Ala502= (NM_001163213.2); c.1503C>A, p.Ala501= (NM_001354809.2, NM_001354810.2); c.1164C>A, p.Ala388= (NM_022965.4).
Identifiers: ClinVar variation 1680080 (VCV001680080.9), dbSNP rs1413677932, ClinGen allele CA438063044.

ClinVar aggregate classification (germline): Likely benign. Review status: criteria provided, multiple submitters, no conflicts (2 of 4 stars). 2 submissions from 2 submitters: Likely benign (2). Last evaluated 2026-08-01.

Allele frequency attached by ClinVar (database versions not stated): gnomAD exomes below 0.00001; gnomAD 0.00001.
gnomAD v4.1: 2 of 1,611,670 alleles (0.00012%); highest among the groups gnomAD compares: Admixed American, 0.0033%; no homozygotes.

Submissions (2):

CeGaT Center for Human Genetics Tuebingen
Classification: Likely benign. Last evaluated: 2026-08-01. Review status: criteria provided, single submitter. Criteria: CeGaT Center For Human Genetics Tuebingen Variant Classification Criteria Version 2. Collection method: clinical testing. Allele origin: germline. Affected: yes. Observed: 2 variant alleles.
Comment: FGFR3: BP4, BP7

Labcorp Genetics (formerly Invitae), Labcorp
Classification: Likely benign. Last evaluated: 2025-02-24. Review status: criteria provided, single submitter. Criteria: Invitae Variant Classification Sherloc (09022015). Collection method: clinical testing. Allele origin: germline.